The following is an entry in ClinVar:

NM_000101.4(CYBA):c.574G>T (p.Asp192Tyr)

Gene: CYBA (cytochrome b-245 alpha chain; minus strand). Cytogenetic location: 16q24.2.
Variant type: single nucleotide variant.
Coding change: c.574G>T on transcript NM_000101.4 (MANE Select); coding-DNA position 574, G replaced by T.
Protein change: p.Asp192Tyr; replaces aspartic acid 192 with tyrosine.
Molecular consequence: missense variant.
Genome position (GRCh38, 1-based): chr16:88,643,367, C>A on the plus strand (G>T on the coding strand, the complement: CYBA is on the minus strand). VCF-style: chr16-88643367-C-A. GRCh37 (hg19) VCF-style: chr16-88709775-C-A.
Other names: short protein forms D192Y.
Identifiers: ClinVar variation 2093579 (VCV002093579.4), dbSNP rs777676283, ClinGen allele CA397056171.

ClinVar aggregate classification (germline): Uncertain significance (1 of 4 stars; one submission).

Conditions:
Granulomatous disease, chronic, autosomal recessive, cytochrome b-negative. Also called: GRANULOMATOUS DISEASE, CHRONIC, AUTOSOMAL RECESSIVE, 4; Chronic granulomatous disease, autosomal, due to deficiency of CYBA; CGD DUE TO DEFICIENCY OF THE ALPHA SUBUNIT OF CYTOCHROME b; CGD, AUTOSOMAL RECESSIVE CYTOCHROME b-NEGATIVE; CYBA DEFICIENCY. Identifiers: Orphanet 379, MedGen C1856255, MONDO:0009308, OMIM 233690.

gnomAD v4.1: 1 of 1,526,658 alleles (0.000066%); highest among the groups gnomAD compares: South Asian, 0.0012%; no homozygotes.

Submission:

Labcorp Genetics (formerly Invitae), Labcorp
Classification: Uncertain significance for Granulomatous disease, chronic, autosomal recessive, cytochrome b-negative. Last evaluated: 2022-02-05. Review status: criteria provided, single submitter. Criteria: Invitae Variant Classification Sherloc (09022015). Collection method: clinical testing. Allele origin: germline.
Comment: In summary, the available evidence is currently insufficient to determine the role of this variant in disease. Therefore, it has been classified as a Variant of Uncertain Significance. Algorithms developed to predict the effect of missense changes on protein structure and function are either unavailable or do not agree on the potential impact of this missense change (SIFT: "Deleterious"; PolyPhen-2: "Probably Damaging"; Align-GVGD: "Class C0"). This variant has not been reported in the literature in individuals affected with CYBA-related conditions. This variant is not present in population databases (gnomAD no frequency). This sequence change replaces aspartic acid, which is acidic and polar, with tyrosine, which is neutral and polar, at codon 192 of the CYBA protein (p.Asp192Tyr).